The following is an entry in ClinVar:

NM_005359.6(SMAD4):c.620A>G (p.Asn207Ser)

Gene: SMAD4 (SMAD family member 4; plus strand). Cytogenetic location: 18q21.2.
Variant type: single nucleotide variant.
Coding change: c.620A>G on transcript NM_005359.6 (MANE Select); coding-DNA position 620, A replaced by G.
Protein change: p.Asn207Ser; replaces asparagine 207 with serine.
Molecular consequence: missense variant.
Genome position (GRCh38, 1-based): chr18:51,054,946, A>G. VCF-style: chr18-51054946-A-G. GRCh37 (hg19) VCF-style: chr18-48581316-A-G.
Other names: short protein forms N207S.
Identifiers: ClinVar variation 630457 (VCV000630457.4), dbSNP rs1568205077, ClinGen allele CA402461196.

ClinVar aggregate classification (germline): Conflicting classifications of pathogenicity. Review status: criteria provided, conflicting classifications (1 of 4 stars). 2 submissions from 2 submitters: Uncertain significance (1); Likely benign (1). Last evaluated 2025-04-01.

Conditions:
Familial thoracic aortic aneurysm and aortic dissection (TAAD). Also called: Thoracic aortic aneurysms and dissections. Identifiers: Orphanet 91387, MedGen C4707243, MONDO:0019625.
Hereditary cancer-predisposing syndrome. Also called: Tumor predisposition; Neoplastic Syndromes, Hereditary; Hereditary neoplastic syndrome; Hereditary Cancer Syndrome. Identifiers: Orphanet 140162, MedGen C0027672, MeSH D009386, MONDO:0015356.

Submissions (2):

Ambry Genetics
Classification: Uncertain significance for Hereditary cancer-predisposing syndrome; Familial thoracic aortic aneurysm and aortic dissection. Last evaluated: 2025-04-01. Review status: criteria provided, single submitter. Criteria: Ambry Variant Classification Scheme 2023. Collection method: clinical testing. Allele origin: germline.
Comment: The p.N207S variant (also known as c.620A>G), located in coding exon 4 of the SMAD4 gene, results from an A to G substitution at nucleotide position 620. The asparagine at codon 207 is replaced by serine, an amino acid with highly similar properties. This amino acid position is not well conserved in available vertebrate species. In addition, this alteration is predicted to be tolerated by in silico analysis. Based on the available evidence, the clinical significance of this variant remains unclear.

Color Diagnostics, LLC DBA Color Health
Classification: Likely benign for Hereditary cancer-predisposing syndrome. Last evaluated: 2024-10-11. Review status: criteria provided, single submitter. Criteria: ACMG Guidelines, 2015. Collection method: clinical testing. Allele origin: germline.